The following is an entry in ClinVar:

ClinVar aggregate classification (germline): Uncertain significance (1 of 4 stars; one submission).

Allele frequency attached by ClinVar (database versions not stated): gnomAD exomes below 0.00001; TOPMed below 0.00001; gnomAD 0.00001.
gnomAD v4.1: 8 of 1,614,000 alleles (0.0005%); highest among the groups gnomAD compares: East Asian, 0.0022%; no homozygotes.

Submission:

Labcorp Genetics (formerly Invitae), Labcorp
Classification: Uncertain significance. Last evaluated: 2022-09-01. Review status: criteria provided, single submitter. Criteria: Invitae Variant Classification Sherloc (09022015). Collection method: clinical testing. Allele origin: germline.
Comment: In summary, the available evidence is currently insufficient to determine the role of this variant in disease. Therefore, it has been classified as a Variant of Uncertain Significance. Algorithms developed to predict the effect of sequence changes on RNA splicing suggest that this variant may create or strengthen a splice site. Algorithms developed to predict the effect of missense changes on protein structure and function (SIFT, PolyPhen-2, Align-GVGD) all suggest that this variant is likely to be disruptive. ClinVar contains an entry for this variant (Variation ID: 1358714). This variant has not been reported in the literature in individuals affected with JAM3-related conditions. This variant is present in population databases (no rsID available, gnomAD 0.003%). This sequence change replaces arginine, which is basic and polar, with cysteine, which is neutral and slightly polar, at codon 269 of the JAM3 protein (p.Arg269Cys).

NM_032801.5(JAM3):c.805C>T (p.Arg269Cys)

Gene: JAM3 (junctional adhesion molecule 3; plus strand). Cytogenetic location: 11q25.
Variant type: single nucleotide variant.
Coding change: c.805C>T on transcript NM_032801.5 (MANE Select); coding-DNA position 805, C replaced by T.
Protein change: p.Arg269Cys; replaces arginine 269 with cysteine.
Molecular consequence: missense variant.
Genome position (GRCh38, 1-based): chr11:134,148,639, C>T. VCF-style: chr11-134148639-C-T. GRCh37 (hg19) VCF-style: chr11-134018534-C-T.
Other names: c.652C>T, p.Arg218Cys (NM_001205329.2); short protein forms R269C, R218C.
Identifiers: ClinVar variation 1358714 (VCV001358714.8), dbSNP rs1161241107, ClinGen allele CA383504329.